The following is an entry in ClinVar:

ClinVar aggregate classification (germline): Pathogenic (1 of 4 stars; one submission).

Conditions:
Multiple acyl-CoA dehydrogenase deficiency (MADD). Also called: Glutaric aciduria, type 2; Glutaric acidemia type II; GA 2; Glutaric Acidemia type 2; ETHYLMALONIC-ADIPICACIDURIA; GA II. Identifiers: Orphanet 26791, MedGen C0268596, MONDO:0009282, OMIM 231680.

Submission:

Labcorp Genetics (formerly Invitae), Labcorp
Classification: Pathogenic for Multiple acyl-CoA dehydrogenase deficiency. Last evaluated: 2025-09-24. Review status: criteria provided, single submitter. Criteria: Invitae Variant Classification Sherloc (09022015). Collection method: clinical testing. Allele origin: germline.
Comment: This sequence change creates a premature translational stop signal (p.Ala76Lysfs*32) in the ETFDH gene. It is expected to result in an absent or disrupted protein product. Loss-of-function variants in ETFDH are known to be pathogenic (PMID: 16510302, 23785301). This variant is not present in population databases (gnomAD no frequency). This variant has not been reported in the literature in individuals affected with ETFDH-related conditions. For these reasons, this variant has been classified as Pathogenic.

Literature cited by the submitters: PubMed 16510302; PubMed 23785301.

NM_004453.4(ETFDH):c.188_224dup (p.Ala76fs)

Gene: ETFDH (electron transfer flavoprotein dehydrogenase; plus strand). Cytogenetic location: 4q32.1.
Variant type: Duplication.
Coding change: c.188_224dup on transcript NM_004453.4 (MANE Select); coding-DNA positions 188 to 224, 37 bases duplicated.
Protein change: p.Ala76fs; shifts the reading frame from alanine 76.
Molecular consequence: frameshift variant. On other transcripts: initiator codon variant (1).
Genome position (GRCh38, 1-based): chr4:158,682,207-158,682,243, 37 bases duplicated; duplicating any 37 consecutive bases within chr4:158,682,204-158,682,243 gives the same sequence; the c. name uses the placement nearest the transcript's 3' end. GRCh37 (hg19): chr4:159,603,359-159,603,395.
Other names: c.47_83dup, p.Ala29fs (NM_001281737.2); c.5_41dup, p.Ala15fs (NM_001281738.1); short protein forms A15fs, A29fs, A76fs.
Identifiers: ClinVar variation 4806270 (VCV004806270.1).